The following is an entry in ClinVar:

NM_005045.4(RELN):c.1824C>T (p.Cys608=)

Gene: RELN (reelin; minus strand). Cytogenetic location: 7q22.1.
Variant type: single nucleotide variant.
Coding change: c.1824C>T on transcript NM_005045.4 (MANE Select); coding-DNA position 1824, C replaced by T.
Protein change: p.Cys608=; no amino-acid change (cysteine 608 retained).
Molecular consequence: synonymous variant.
Genome position (GRCh38, 1-based): chr7:103,651,729, G>A on the plus strand (C>T on the coding strand, the complement: RELN is on the minus strand). VCF-style: chr7-103651729-G-A. GRCh37 (hg19) VCF-style: chr7-103292176-G-A.
Other names: p.Cys608=; c.1824C>T, p.Cys608= (NM_173054.3).
Identifiers: ClinVar variation 381003 (VCV000381003.21), dbSNP rs79620906, ClinGen allele CA4422168.

ClinVar aggregate classification (germline): Benign/Likely benign. Review status: criteria provided, multiple submitters, no conflicts (2 of 4 stars). 7 submissions from 7 submitters: Benign (4); Likely benign (1). 2 of the submissions do not count toward it. Last evaluated 2026-01-18.

Conditions:
Norman-Roberts syndrome (LIS2). Also called: Lissencephaly 2 (Norman-Roberts type). Identifiers: Orphanet 89844, MedGen C0796089, MONDO:0009760, OMIM 257320.
Familial temporal lobe epilepsy 7. Identifiers: Orphanet 101046, MedGen C4225327, MONDO:0014639, OMIM 616436.

Allele frequency attached by ClinVar (database versions not stated): gnomAD exomes 0.00044 and 0.00114; ExAC 0.00129; 1000 Genomes Project 0.00359; 1000 Genomes Project 30x 0.00437; gnomAD 0.00468 and 0.00502; TOPMed 0.00501; ESP Exome Variant Server 0.00507.
gnomAD v4.1: 1,376 of 1,611,852 alleles (0.085%); highest among the groups gnomAD compares: African/African-American, 1.7%; 11 homozygotes.

Submissions (7):

Labcorp Genetics (formerly Invitae), Labcorp
Classification: Benign for Familial temporal lobe epilepsy 7; Norman-Roberts syndrome. Last evaluated: 2026-01-18. Review status: criteria provided, single submitter. Criteria: Invitae Variant Classification Sherloc (09022015). Collection method: clinical testing. Allele origin: germline.

Blueprint Genetics
Classification: Likely benign. Last evaluated: 2024-10-17. Review status: criteria provided, single submitter. Criteria: ACMG Guidelines, 2015. Collection method: clinical testing. Allele origin: germline.

Mayo Clinic Laboratories, Mayo Clinic
Classification: Benign. Last evaluated: 2024-08-15. Review status: criteria provided, single submitter. Criteria: ACMG Guidelines, 2015. Collection method: clinical testing. Allele origin: germline. Observed: 2 variant alleles.
Comment: BS1, BS2, BP4, BP7

GeneDx
Classification: Benign. Last evaluated: 2019-01-09. Review status: criteria provided, single submitter. Criteria: GeneDx Variant Classification Process June 2021. Collection method: clinical testing. Allele origin: germline. Affected: yes.

Illumina Laboratory Services, Illumina
Classification: Benign for Norman-Roberts syndrome. Last evaluated: 2018-01-13. Review status: criteria provided, single submitter. Criteria: ICSL Variant Classification Criteria 13 December 2019. Collection method: clinical testing. Allele origin: germline.
Comment: This variant was observed in the ICSL laboratory as part of a predisposition screen in an ostensibly healthy population. It had not been previously curated by ICSL or reported in the Human Gene Mutation Database (HGMD: prior to June 1st, 2018), and was therefore a candidate for classification through an automated scoring system. Utilizing variant allele frequency, disease prevalence and penetrance estimates, and inheritance mode, an automated score was calculated to assess if this variant is too frequent to cause the disease. Based on the score and internal cut-off values, a variant classified as benign is not then subjected to further curation. The score for this variant resulted in a classification of benign for this disease.

Clinical Genetics DNA and cytogenetics Diagnostics Lab, Erasmus MC, Erasmus Medical Center
Classification: Likely benign. Review status: no assertion criteria provided. Collection method: clinical testing. Allele origin: germline. Affected: yes. Study: VKGL Data-share Consensus. Not counted in ClinVar's aggregate classification.

Clinical Genetics, Academic Medical Center
Classification: Benign. Review status: no assertion criteria provided. Collection method: clinical testing. Allele origin: germline. Affected: yes. Study: VKGL Data-share Consensus. Not counted in ClinVar's aggregate classification.